The following is an entry in ClinVar:

NM_000203.5(IDUA):c.710T>G (p.Leu237Arg)

Gene: IDUA (alpha-L-iduronidase; plus strand). Cytogenetic location: 4p16.3.
Variant type: single nucleotide variant.
Coding change: c.710T>G on transcript NM_000203.5 (MANE Select); coding-DNA position 710, T replaced by G.
Protein change: p.Leu237Arg; replaces leucine 237 with arginine.
Molecular consequence: missense variant. On other transcripts: non-coding transcript variant (1).
Genome position (GRCh38, 1-based): chr4:1,001,799, T>G. VCF-style: chr4-1001799-T-G. GRCh37 (hg19) VCF-style: chr4-995587-T-G.
Other names: NM_001363576.1:c.314T>G; c.314T>G, p.Leu105Arg (NM_001363576.1); short protein forms L105R, L237R.
Identifiers: ClinVar variation 4539818 (VCV004539818.1).

ClinVar aggregate classification (germline): Uncertain significance (3 of 4 stars; one submission).

Conditions:
Mucopolysaccharidosis type 1. Also called: IDUA deficiency; MPS I. Identifiers: Orphanet 579, MedGen C0023786, MONDO:0001586.

Submission:

ClinGen Lysosomal Storage Disorder Variant Curation Expert Panel
Classification: Uncertain significance for Mucopolysaccharidosis type 1. Last evaluated: 2025-12-15. Review status: reviewed by expert panel. Criteria: ClinGen LSD ACMG Specifications IDUA V1.1.0. Collection method: curation. Allele origin: germline. Inheritance: Autosomal recessive inheritance.
Comment: The NM_000203.5:c.710T>G variant in IDUA is a missense variant predicted to cause substitution of leucine by arginine at amino acid 237 (p.Leu237Arg). This variant has been reported in a patient with documented IDUA deficiency within the affected range in leukocytes and clinical features specific to MPS I including hepatosplenomegaly and arthropathy (PMID: 21480867) (PP4). This individual was compound heterozygous for the variant and another variant in IDUA, c.973-4G>A, which has been classified as a variant of uncertain significance by the ClinGen LD VCEP; the phase of the variants is unknown (PM3 not met). The computational predictor REVEL gives a score of 0.931 which is above the threshold of 0.773, evidence that correlates with impact to IDUA function at the moderate level based on the specifications of the ClinGen Lysosomal Diseases VCEP (PMID: 36413997) (PP3_Moderate). This variant is absent in gnomAD v4.1.0. (PM2_Supporting). In summary, this variant meets the criteria to be classified as a variant of uncertain significance (VUS) for MPS I based on the IDUA-specific ACMG/AMP criteria applied, as specified by the ClinGen Lysosomal Diseases Variant Curation Expert Panel (Specifications Version 1.1.0): PP4, PP3_Moderate, PM2_Supporting. (Classification approved by the ClinGen Lysosomal Diseases Variant Curation Expert Panel on December 15, 2025).